The following is an entry in ClinVar:

ClinVar aggregate classification (germline): Likely pathogenic (1 of 4 stars; one submission).

Conditions:
Dilated cardiomyopathy 1G (CMD1G). Identifiers: Orphanet 154, MedGen C1858763, MONDO:0011400, OMIM 604145.

Allele frequency attached by ClinVar (database versions not stated): gnomAD exomes below 0.00001; ExAC 0.00001.

Submission:

Clinical Genetics Laboratory, Region Ostergotland
Classification: Likely pathogenic for Dilated cardiomyopathy 1G. Last evaluated: 2023-04-13. Review status: criteria provided, single submitter. Criteria: ACMG Guidelines, 2015. Collection method: clinical testing. Allele origin: germline. Affected: yes.
Comment: PMID:25741868 (PVS1, PM2)

NM_001267550.2(TTN):c.73200del (p.Ile24399_Tyr24400insTer)

Genes: TTN (titin; minus strand), TTN-AS1 (TTN antisense RNA 1; plus strand). Cytogenetic location: 2q31.2.
Variant type: Deletion.
Coding change: c.73200del on transcript NM_001267550.2 (MANE Select); coding-DNA position 73200, one base deleted (T; older notation c.73200delT).
Protein change: p.Ile24399_Tyr24400insTer.
Molecular consequence: nonsense.
Genome position (GRCh38, 1-based): chr2:178,572,932, A deleted on the plus strand (T on the coding strand, the reverse complement: TTN is on the minus strand). VCF-style (leftmost placement, unchanged base first): chr2-178572931-CA-C. GRCh37 (hg19) VCF-style: chr2-179437658-CA-C.
Other names: c.68277del, p.Ile22758_Tyr22759insTer (NM_001256850.1); c.46005del, p.Ile15334_Tyr15335insTer (NM_003319.4); c.65496del, p.Ile21831_Tyr21832insTer (NM_133378.4); c.46380del, p.Ile15459_Tyr15460insTer (NM_133432.3); c.46581del, p.Ile15526_Tyr15527insTer (NM_133437.4).
Identifiers: ClinVar variation 2502316 (VCV002502316.1), dbSNP rs766241881, ClinGen allele CA1990406.